The following continues an entry in ClinVar:

NM_000152.5(GAA):c.-32-13T>G

Gene: GAA. ClinVar aggregate classification (germline): Pathogenic. Pathogenic (1).

Submissions 38 to 49 of 77:

Clinical Genomics Laboratory, Stanford Medicine
Classification: Pathogenic for Glycogen storage disease, type II; Glycogen storage disease due to acid maltase deficiency, late-onset. Last evaluated: 2022-02-15. Review status: criteria provided, single submitter. Criteria: ACMG Guidelines, 2015. Collection method: clinical testing. Allele origin: germline. Inheritance: Autosomal recessive inheritance. Observed: 1 variant allele, 1 heterozygote. Not counted in ClinVar's aggregate classification.
Comment: The c.-32-13T>G variant in the GAA gene is the most common disease-causing variant in adults with glycogen storage disease type II (PMID: 17210890; PMID: 24158270; PMID: 24245577). This variant has also been identified in 45/8,122 Ashkenazi Jewish and 614/116,004 European (non-Finnish) chromosomes by the Genome Aggregation Database. Although this variant has been seen in the general population, its frequency is low enough to be consistent with a recessive carrier frequency. This variant occurs in the 3’ splice site and computational tools do not consistently predict an impact to splicing. However, the accuracy of these computational tools is limited. Functional studies of this variant demonstrate it alters splicing of the GAA transcript, leading to reduced expression of functional GAA enzyme that is sufficient to be disease-causing (PMID: 24150945; PMID: 7717400). These data were assessed using the ACMG/AMP variant interpretation guidelines. In summary, there is sufficient evidence to classify the c.-32-13T>G variant as pathogenic for autosomal recessive glycogen storage disease type II based on the information above. [ACMG evidence codes used: PS3_supporting; PM3_verystrong; PP1_strong]

Foundation for Research in Genetics and Endocrinology, FRIGE's Institute of Human Genetics
Classification: Pathogenic for Glycogen storage disease, type II. Last evaluated: 2021-10-27. Review status: criteria provided, single submitter. Criteria: ACMG Guidelines, 2015. Collection method: clinical testing. Allele origin: germline. Inheritance: Autosomal recessive inheritance. Affected: yes. Observed: 1 heterozygote. Not counted in ClinVar's aggregate classification.
Comment: A heterozygous variant in intron 1 of the GAA gene that affects the position 13 nucleotides upstream to exon 2 was detected. The observed variant c.-32-13T>G has a minor allele frequency of 0.3% and 0.4% in the 1000 genomes and gnomAD database respectively. The variant has been previously reported in patients affected with adult-onset glycogen storage disease type-II (Dardis et al. 2014). The in silico prediction of the variant is damaging by MutationTaster2. The reference codon is conserved across species. In summary, the variant meets our criteria to be classified as a pathogenic variant.

Dasa
Classification: Pathogenic for Glycogen storage disease, type II. Last evaluated: 2021-09-02. Review status: criteria provided, single submitter. Criteria: ACMG Guidelines, 2015. Collection method: clinical testing. Allele origin: germline. Affected: yes. Observed: 5 variant alleles. Not counted in ClinVar's aggregate classification.
Comment: The c.-32-13T>G variant is the most common, seen in 36% to 90% of individuals affected with Glycogen storage disease, type II (OMIM: 606800.0006; PMID: 7881425; 7717400; 7668832; 8558570; 11071489; 14695532; 16433701; 16531044; 16917947; 17210890; 17723315; 17643989; 17616415; 18607768; 19588081; 20350966; 21550241; 20559845; 20301438; GeneOne, DASA), and ClinVar contains an entry for this variant (Variation ID: 4027) - PS4; well-established in vitro or in vivo functional studies supportive of a damaging effect on the gene or gene product indicates that the variant causes aberrant splicing of the GAA RNA, resulting in most transcripts lacking exon 2 containing the canonical start codon (PMID: 7881425) - PS3; variant detected in trans with a pathogenic variant (PMID: 27649523) - PM3_strong; this variant is present in population databases (rs386834236 - gnomAD 0.376% frequency; ABraOM 0.29%) - BS1; In summary, the currently available evidence indicates that the variant is pathogenic.

Breda Genetics srl
Classification: Pathogenic for Glycogen storage disease, type II. Last evaluated: 2021-04-30. Review status: criteria provided, single submitter. Criteria: ACMG Guidelines, 2015. Collection method: clinical testing. Allele origin: germline. Inheritance: Autosomal recessive inheritance. Affected: yes. Observed: 1 variant allele, 1 compound heterozygote. Not counted in ClinVar's aggregate classification.
Comment: The variant c.-32-13T>G in the GAA gene is reported as pathogenic for glycogen storage disease type 2 (Pompe disease) in ClinVar (Variation ID: 4027) and as pathogenic in the Global Variome shared LOVD database v.3.0. The variant was firstly identified by Huie et al., 1994 (PMID: 7881425) in a patient with late onset Pompe disease. Subsequent functional studies have clarified that this variant alters the splicing process, leading to the production of a transcript with exon 2 deletion, although a low amount of normal transcript is produced, which may explain the role of this variant in late forms of the disease (Boerkoel et al., 1995, PMID: 7717400; Dardis et al., 2014, PMID: 24150945). This variant represents a common mutation that is present in approximately 40% -70% of alleles in patients with late forms (PMID: 24150945). According to Leslie et Bailey, 2017 (PMID: 20301438) the variant is observed in 36% to 90% of late-onset Pompe disease cases. The variant is reported with an estimated allelic frequency of 0.003445 in gnomAD exomes and 0.003094 in gnomAD genomes, with one homozygous individual reported.

Institute of Medical Genetics and Applied Genomics, University Hospital Tübingen
Classification: Pathogenic. Last evaluated: 2021-02-01. Review status: criteria provided, single submitter. Criteria: ACMG Guidelines, 2015. Collection method: clinical testing. Allele origin: germline. Inheritance: Autosomal recessive inheritance. Affected: yes. Not counted in ClinVar's aggregate classification.

Myriad Genetics, Inc.
Classification: Pathogenic for Glycogen storage disease, type II. Last evaluated: 2019-12-18. Review status: criteria provided, single submitter. Criteria: Myriad Women's Health Autosomal Recessive and X-Linked Classification Criteria (2019). Collection method: clinical testing. Allele origin: unknown. Not counted in ClinVar's aggregate classification.
Comment: NM_000152.3(GAA):c.-32-13T>G(aka IVS1-13T>G) is classified as pathogenic in the context of Pompe disease. The variant is seen in 36% to 90% of late-onset Pompe disease and is typically associated with late onset. Sources cited for classification include the following: PMID 24150945, 24158270, 16702877, 21439876, 7881425, 22595200 and 24590251. Classification of NM_000152.3(GAA):c.-32-13T>G(aka IVS1-13T>G) is based on the following criteria: This is a well-established pathogenic variant in the literature that has been observed more frequently in patients with clinical diagnoses than in healthy populations. Please note: this variant was assessed in the context of healthy population screening.

Mendelics
Classification: Pathogenic for Glycogen storage disease, type II. Last evaluated: 2019-05-28. Review status: criteria provided, single submitter. Criteria: Mendelics Assertion Criteria 2017. Collection method: clinical testing. Allele origin: unknown. Not counted in ClinVar's aggregate classification.

Fulgent Genetics
Classification: Pathogenic for Glycogen storage disease, type II. Last evaluated: 2018-10-31. Review status: criteria provided, single submitter. Criteria: ACMG Guidelines, 2015. Collection method: clinical testing. Allele origin: unknown. Not counted in ClinVar's aggregate classification.

Broad Center for Mendelian Genomics, Broad Institute of MIT and Harvard
Classification: Pathogenic for Glycogen storage disease, type II. Last evaluated: 2017-06-25. Review status: criteria provided, single submitter. Criteria: ACMG Guidelines, 2015. Collection method: research. Allele origin: germline. Inheritance: Autosomal recessive inheritance. Affected: yes. Observed: 1 variant allele. Study: Broad Institute Center for Mendelian Genomics (CMG). Not counted in ClinVar's aggregate classification.
Comment: The c.-32-13 T>G pathogenic variant in the GAA gene is a common variant that has been reported in 36-90% of patients with adult-onset GSDII (PMID: 7881425; PMID: 24150945). Functional studies demonstrate that the c.-32-13 T>G mutation results in aberrant gene splicing (PMID: 24150945).

Illumina Laboratory Services, Illumina
Classification: Pathogenic for Glycogen storage disease, type II. Last evaluated: 2017-04-27. Review status: criteria provided, single submitter. Criteria: ICSL Variant Classification Criteria 09 May 2019. Collection method: clinical testing. Allele origin: germline. Not counted in ClinVar's aggregate classification.
Comment: The GAA c.-32-13T>G variant has been reported in at least six studies and is found in a total of 248 individuals with glycogen storage disease type II, including 151 in a compound heterozygous state and 38 in a heterozygous state in whom a second variant in the GAA gene was not found. Zygosity was not specified for 59 of the 248 patients (Huie et al. 1994; Hermans et al. 2004; Montalvo et al. 2006; Kroos et al. 2007; van Capelle et al. 2016; Lukacs et al. 2016). Patients with the c.-32-13T>G variant were found overall to be more severely affected (van Capelle et al. 2016). The variant was absent from 29 controls and is reported at a frequency of 0.00572 in the European American population of the Exome Sequencing Project. Functional studies have shown the presence of the c.-32-13T>G variant causes aberrant splicing, resulting in exclusion of exon 2 in the processed transcript (Huie et al. 1994). Based on the evidence, the c.-32-13T>G variant is classified as pathogenic for glycogen storage disease type II. This variant was observed by ICSL as part of a predisposition screen in an ostensibly healthy population.

Centre for Mendelian Genomics, University Medical Centre Ljubljana
Classification: Pathogenic for Myopathy. Last evaluated: 2017-01-01. Review status: criteria provided, single submitter. Criteria: ACMG Guidelines, 2015. Collection method: clinical testing. Allele origin: unknown. Affected: yes. Not counted in ClinVar's aggregate classification.

Eurofins Ntd Llc (ga)
Classification: Pathogenic. Last evaluated: 2016-12-06. Review status: criteria provided, single submitter. Criteria: EGL Classification Definitions. Collection method: clinical testing. Allele origin: germline. Observed: 108 variant alleles, 107 heterozygotes. Not counted in ClinVar's aggregate classification.